The following is an entry in ClinVar:

ClinVar aggregate classification (germline): Uncertain significance (1 of 4 stars; one submission).

gnomAD v4.1: 2 of 1,578,444 alleles (0.00013%); highest among the groups gnomAD compares: African/African-American, 0.0028%; no homozygotes.

Submission:

Labcorp Genetics (formerly Invitae), Labcorp
Classification: Uncertain significance. Last evaluated: 2024-11-11. Review status: criteria provided, single submitter. Criteria: Invitae Variant Classification Sherloc (09022015). Collection method: clinical testing. Allele origin: germline.
Comment: This sequence change replaces glycine, which is neutral and non-polar, with arginine, which is basic and polar, at codon 84 of the DDX58 protein (p.Gly84Arg). This variant is not present in population databases (gnomAD no frequency). This variant has not been reported in the literature in individuals affected with DDX58-related conditions. An algorithm developed to predict the effect of missense changes on protein structure and function (PolyPhen-2) suggests that this variant is likely to be disruptive. In summary, the available evidence is currently insufficient to determine the role of this variant in disease. Therefore, it has been classified as a Variant of Uncertain Significance.

NM_014314.4(RIGI):c.250G>A (p.Gly84Arg)

Gene: RIGI (RNA sensor RIG-I; minus strand). Cytogenetic location: 9p21.1.
Variant type: single nucleotide variant.
Coding change: c.250G>A on transcript NM_014314.4 (MANE Select); coding-DNA position 250, G replaced by A.
Protein change: p.Gly84Arg; replaces glycine 84 with arginine.
Molecular consequence: missense variant. On other transcripts: 5 prime UTR variant (3).
Genome position (GRCh38, 1-based): chr9:32,493,934, C>T on the plus strand (G>A on the coding strand, the complement: RIGI is on the minus strand). VCF-style: chr9-32493934-C-T. GRCh37 (hg19) VCF-style: chr9-32493932-C-T.
Other names: c.250G>A, p.Gly84Arg (NM_001385907.1, NM_001385909.1, NM_001385913.1); c.-205G>A (NM_001385910.1, NM_001385914.1); c.-212G>A (NM_001385912.1); short protein forms G84R.
Identifiers: ClinVar variation 3675278 (VCV003675278.2).